The following is an entry in ClinVar:

ClinVar aggregate classification (germline): Uncertain significance (1 of 4 stars; one submission).

gnomAD v4.1: 1 of 1,614,154 alleles (0.000062%); highest among the groups gnomAD compares: Non-Finnish European, 0.000085%; no homozygotes.

Submission:

Labcorp Genetics (formerly Invitae), Labcorp
Classification: Uncertain significance. Last evaluated: 2022-03-02. Review status: criteria provided, single submitter. Criteria: Invitae Variant Classification Sherloc (09022015). Collection method: clinical testing. Allele origin: germline.
Comment: In summary, the available evidence is currently insufficient to determine the role of this variant in disease. Therefore, it has been classified as a Variant of Uncertain Significance. Algorithms developed to predict the effect of missense changes on protein structure and function (SIFT, PolyPhen-2, Align-GVGD) all suggest that this variant is likely to be tolerated. This variant has not been reported in the literature in individuals affected with ALPK3-related conditions. This variant is not present in population databases (gnomAD no frequency). This sequence change replaces glutamine, which is neutral and polar, with lysine, which is basic and polar, at codon 960 of the ALPK3 protein (p.Gln960Lys).

NM_020778.5(ALPK3):c.2272C>A (p.Gln758Lys)

Gene: ALPK3 (alpha kinase 3; plus strand). Cytogenetic location: 15q25.3.
Variant type: single nucleotide variant.
Coding change: c.2272C>A on transcript NM_020778.5 (MANE Select); coding-DNA position 2272, C replaced by A.
Protein change: p.Gln758Lys; replaces glutamine 758 with lysine.
Molecular consequence: missense variant.
Genome position (GRCh38, 1-based): chr15:84,857,010, C>A. VCF-style: chr15-84857010-C-A. GRCh37 (hg19) VCF-style: chr15-85400241-C-A.
Other names: short protein forms Q758K.
Identifiers: ClinVar variation 2105620 (VCV002105620.4), dbSNP rs2505719967, ClinGen allele CA393356554.